The following is an entry in ClinVar:

NM_000530.8(MPZ):c.599G>A (p.Gly200Glu)

Gene: MPZ (myelin protein zero; minus strand). Cytogenetic location: 1q23.3.
Variant type: single nucleotide variant.
Coding change: c.599G>A on transcript NM_000530.8 (MANE Select); coding-DNA position 599, G replaced by A.
Protein change: p.Gly200Glu; replaces glycine 200 with glutamic acid.
Molecular consequence: missense variant.
Genome position (GRCh38, 1-based): chr1:161,306,154, C>T on the plus strand (G>A on the coding strand, the complement: MPZ is on the minus strand). VCF-style: chr1-161306154-C-T. GRCh37 (hg19) VCF-style: chr1-161275944-C-T.
Other names: c.599G>A, p.Gly200Glu (NM_001315491.2); short protein forms G200E.
Identifiers: ClinVar variation 2855254 (VCV002855254.3), dbSNP rs1402742506, ClinGen allele CA343344929.

ClinVar aggregate classification (germline): Uncertain significance (1 of 4 stars; one submission).

Conditions:
Charcot-Marie-Tooth disease, type I (CMT1). Also called: Charcot-Marie-Tooth disease type 1; Charcot-Marie-Tooth, Type 1. Identifiers: Orphanet 65753, MedGen C0751036, MONDO:0019011.

Allele frequency attached by ClinVar (database versions not stated): TOPMed below 0.00001; gnomAD 0.00001.
gnomAD v4.1: 1 of 1,614,130 alleles (0.000062%); highest among the groups gnomAD compares: Non-Finnish European, 0.000085%; no homozygotes.

Submission:

Labcorp Genetics (formerly Invitae), Labcorp
Classification: Uncertain significance for Charcot-Marie-Tooth disease, type I. Last evaluated: 2024-11-04. Review status: criteria provided, single submitter. Criteria: Invitae Variant Classification Sherloc (09022015). Collection method: clinical testing. Allele origin: germline.
Comment: This sequence change replaces glycine, which is neutral and non-polar, with glutamic acid, which is acidic and polar, at codon 200 of the MPZ protein (p.Gly200Glu). This variant is not present in population databases (gnomAD no frequency). This variant has not been reported in the literature in individuals affected with MPZ-related conditions. ClinVar contains an entry for this variant (Variation ID: 2855254). Invitae Evidence Modeling of protein sequence and biophysical properties (such as structural, functional, and spatial information, amino acid conservation, physicochemical variation, residue mobility, and thermodynamic stability) indicates that this missense variant is not expected to disrupt MPZ protein function with a negative predictive value of 80%. In summary, the available evidence is currently insufficient to determine the role of this variant in disease. Therefore, it has been classified as a Variant of Uncertain Significance.